The following is an entry in ClinVar:

ClinVar aggregate classification (germline): Conflicting classifications of pathogenicity. Review status: no assertion criteria provided (0 of 4 stars). 2 submissions from 2 submitters: Uncertain significance (1); Likely benign (1). Last evaluated 2022-04-07.

Conditions:
MMAA-related disorder. Also called: MMAA-related condition.
Methylmalonic aciduria, cblA type (MACA). Also called: Methylmalonic aciduria, vitamin b12-responsive, due to defect in synthesis of adenosylcobalamin, cbla complementation type; MMA cbl A type; Methylmalonic acidemia cblA type; Methylmalonic aciduria, vitamin B12-responsive; Vitamin B12-responsive methylmalonic acidemia type cblA. Identifiers: Orphanet 28, Orphanet 79310, MedGen C1855109, MONDO:0009613, OMIM 251100.

Allele frequency attached by ClinVar (database versions not stated): TOPMed 0.00001; gnomAD exomes 0.00002 and 0.00004; ExAC 0.00007; ESP Exome Variant Server 0.00008.
gnomAD v4.1: 31 of 1,613,920 alleles (0.0019%); highest among the groups gnomAD compares: Non-Finnish European, 0.0025%; no homozygotes.

Submissions (2):

PreventionGenetics, part of Exact Sciences
Classification: Likely benign for MMAA-related condition. Last evaluated: 2022-04-07. Review status: no assertion criteria provided. Collection method: clinical testing. Allele origin: germline.
Comment: This variant is classified as likely benign based on ACMG/AMP sequence variant interpretation guidelines (Richards et al. 2015 PMID: 25741868, with internal and published modifications).

Natera, Inc.
Classification: Uncertain significance for Methylmalonic aciduria cblA type. Last evaluated: 2020-09-17. Review status: no assertion criteria provided. Collection method: clinical testing. Allele origin: germline.

NM_172250.3(MMAA):c.-4G>A

Gene: MMAA (metabolism of cobalamin associated A; plus strand). Cytogenetic location: 4q31.21.
Variant type: single nucleotide variant.
Coding change: c.-4G>A on transcript NM_172250.3 (MANE Select); 4 bases upstream of the start codon, G replaced by A.
Molecular consequence: 5 prime UTR variant.
Genome position (GRCh38, 1-based): chr4:145,639,136, G>A. VCF-style: chr4-145639136-G-A. GRCh37 (hg19) VCF-style: chr4-146560288-G-A.
Other names: c.-4G>A (NM_001375644.1, NM_172250.2).
Identifiers: ClinVar variation 990260 (VCV000990260.3), dbSNP rs374109118, ClinGen allele CA3095098.